The following is an entry in ClinVar:

ClinVar aggregate classification (germline): Uncertain significance. Review status: criteria provided, multiple submitters, no conflicts (2 of 4 stars). 2 submissions from 2 submitters: Uncertain significance (2). Last evaluated 2026-06-23.

gnomAD v4.1: 2 of 1,614,112 alleles (0.00012%); highest among the groups gnomAD compares: Middle Eastern, 0.016%; no homozygotes.

Submissions (2):

Ambry Genetics
Classification: Uncertain significance. Last evaluated: 2026-06-23. Review status: criteria provided, single submitter. Criteria: Ambry Variant Classification Scheme 2023. Collection method: clinical testing. Allele origin: germline.
Comment: The p.D460G variant (also known as c.1379A>G), located in coding exon 8 of the RNF43 gene, results from an A to G substitution at nucleotide position 1379. The aspartic acid at codon 460 is replaced by glycine, an amino acid with similar properties. This amino acid position is conserved. In addition, this alteration is predicted to be tolerated by in silico analysis. Based on the available evidence, the clinical significance of this variant remains unclear.

Labcorp Genetics (formerly Invitae), Labcorp
Classification: Uncertain significance. Last evaluated: 2025-07-30. Review status: criteria provided, single submitter. Criteria: Invitae Variant Classification Sherloc (09022015). Collection method: clinical testing. Allele origin: germline.
Comment: This sequence change replaces aspartic acid, which is acidic and polar, with glycine, which is neutral and non-polar, at codon 460 of the RNF43 protein (p.Asp460Gly). This variant is not present in population databases (gnomAD no frequency). This variant has not been reported in the literature in individuals affected with RNF43-related conditions. An algorithm developed to predict the effect of missense changes on protein structure and function (PolyPhen-2) suggests that this variant is likely to be disruptive. In summary, the available evidence is currently insufficient to determine the role of this variant in disease. Therefore, it has been classified as a Variant of Uncertain Significance.

NM_017763.6(RNF43):c.1379A>G (p.Asp460Gly)

Gene: RNF43 (ring finger protein 43; minus strand). Cytogenetic location: 17q22.
Variant type: single nucleotide variant.
Coding change: c.1379A>G on transcript NM_017763.6 (MANE Select); coding-DNA position 1379, A replaced by G.
Protein change: p.Asp460Gly; replaces aspartic acid 460 with glycine.
Molecular consequence: missense variant.
Genome position (GRCh38, 1-based): chr17:58,358,397, T>C on the plus strand (A>G on the coding strand, the complement: RNF43 is on the minus strand). VCF-style: chr17-58358397-T-C. GRCh37 (hg19) VCF-style: chr17-56435758-T-C.
Other names: c.1379A>G, p.Asp460Gly (NM_001305544.3, NM_001438820.1, NM_001438821.1 and 1 more transcripts); c.998A>G, p.Asp333Gly (NM_001305545.2, NM_001437987.1); c.1379A>G (NM_017763.4); short protein forms D333G, D460G.
Identifiers: ClinVar variation 4747771 (VCV004747771.2).